The following is an entry in ClinVar:

NM_021942.6(TRAPPC11):c.1639C>A (p.Pro547Thr)

Gene: TRAPPC11 (trafficking protein particle complex subunit 11; plus strand). Cytogenetic location: 4q35.1.
Variant type: single nucleotide variant.
Coding change: c.1639C>A on transcript NM_021942.6 (MANE Select); coding-DNA position 1639, C replaced by A.
Protein change: p.Pro547Thr; replaces proline 547 with threonine.
Molecular consequence: missense variant.
Genome position (GRCh38, 1-based): chr4:183,685,280, C>A. VCF-style: chr4-183685280-C-A. GRCh37 (hg19) VCF-style: chr4-184606433-C-A.
Other names: c.1639C>A, p.Pro547Thr (NM_199053.3); short protein forms P547T.
Identifiers: ClinVar variation 1449290 (VCV001449290.6), dbSNP rs766860723, ClinGen allele CA3151992.

ClinVar aggregate classification (germline): Uncertain significance (1 of 4 stars; one submission).

Conditions:
Autosomal recessive limb-girdle muscular dystrophy type R18 (LGMDR18). Also called: Limb-girdle muscular dystrophy, type 2S; MUSCULAR DYSTROPHY, LIMB-GIRDLE, AUTOSOMAL RECESSIVE 18; Autosomal recessive limb-girdle muscular dystrophy type 2S. Identifiers: Orphanet 369840, MedGen C4517996, MONDO:0014144, OMIM 615356.

Allele frequency attached by ClinVar (database versions not stated): ExAC 0.00001; gnomAD exomes below 0.00001.

Submission:

Labcorp Genetics (formerly Invitae), Labcorp
Classification: Uncertain significance for Autosomal recessive limb-girdle muscular dystrophy type R18. Last evaluated: 2025-04-19. Review status: criteria provided, single submitter. Criteria: Invitae Variant Classification Sherloc (09022015). Collection method: clinical testing. Allele origin: germline.
Comment: This sequence change replaces proline, which is neutral and non-polar, with threonine, which is neutral and polar, at codon 547 of the TRAPPC11 protein (p.Pro547Thr). This variant is present in population databases (rs766860723, gnomAD 0.0009%). This variant has not been reported in the literature in individuals affected with TRAPPC11-related conditions. ClinVar contains an entry for this variant (Variation ID: 1449290). Invitae Evidence Modeling of protein sequence and biophysical properties (such as structural, functional, and spatial information, amino acid conservation, physicochemical variation, residue mobility, and thermodynamic stability) indicates that this missense variant is expected to disrupt TRAPPC11 protein function with a positive predictive value of 80%. In summary, the available evidence is currently insufficient to determine the role of this variant in disease. Therefore, it has been classified as a Variant of Uncertain Significance.